The following is an entry in ClinVar:

ClinVar aggregate classification (germline): Uncertain significance. Review status: criteria provided, multiple submitters, no conflicts (2 of 4 stars). 2 submissions from 2 submitters: Uncertain significance (2). Last evaluated 2024-06-28.

Conditions:
Familial adenomatous polyposis 1 (FAP1). Also called: FAMILIAL ADENOMATOUS POLYPOSIS 1, ATTENUATED; POLYPOSIS, ADENOMATOUS INTESTINAL. Identifiers: MedGen C2713442, MONDO:0021056, OMIM 175100. Disease mechanism: loss of function.
Hereditary cancer-predisposing syndrome. Also called: Hereditary Cancer Syndrome; Neoplastic Syndromes, Hereditary; Hereditary neoplastic syndrome; Tumor predisposition. Identifiers: Orphanet 140162, MedGen C0027672, MeSH D009386, MONDO:0015356.

Submissions (2):

Ambry Genetics
Classification: Uncertain significance for Hereditary cancer-predisposing syndrome. Last evaluated: 2024-06-28. Review status: criteria provided, single submitter. Criteria: Ambry Variant Classification Scheme 2023. Collection method: clinical testing. Allele origin: germline.
Comment: The p.D2079G variant (also known as c.6236A>G), located in coding exon 15 of the APC gene, results from an A to G substitution at nucleotide position 6236. The aspartic acid at codon 2079 is replaced by glycine, an amino acid with similar properties. This amino acid position is conserved. In addition, in silico predictors for this gene do not accurately predict pathogenicity. Based on the available evidence, the clinical significance of this variant remains unclear.

Labcorp Genetics (formerly Invitae), Labcorp
Classification: Uncertain significance for Familial adenomatous polyposis 1. Last evaluated: 2023-04-05. Review status: criteria provided, single submitter. Criteria: Invitae Variant Classification Sherloc (09022015). Collection method: clinical testing. Allele origin: germline.
Comment: This sequence change replaces aspartic acid, which is acidic and polar, with glycine, which is neutral and non-polar, at codon 2079 of the APC protein (p.Asp2079Gly). In summary, the available evidence is currently insufficient to determine the role of this variant in disease. Therefore, it has been classified as a Variant of Uncertain Significance. Advanced modeling of protein sequence and biophysical properties (such as structural, functional, and spatial information, amino acid conservation, physicochemical variation, residue mobility, and thermodynamic stability) performed at Invitae indicates that this missense variant is not expected to disrupt APC protein function. ClinVar contains an entry for this variant (Variation ID: 2014449). This variant has not been reported in the literature in individuals affected with APC-related conditions. This variant is not present in population databases (gnomAD no frequency).

NM_000038.6(APC):c.6236A>G (p.Asp2079Gly)

Gene: APC (APC regulator of Wnt signaling pathway; plus strand). Cytogenetic location: 5q22.2.
Variant type: single nucleotide variant.
Coding change: c.6236A>G on transcript NM_000038.6 (MANE Select); coding-DNA position 6236, A replaced by G.
Protein change: p.Asp2079Gly; replaces aspartic acid 2079 with glycine.
Molecular consequence: missense variant.
Genome position (GRCh38, 1-based): chr5:112,841,830, A>G. VCF-style: chr5-112841830-A-G. GRCh37 (hg19) VCF-style: chr5-112177527-A-G.
Other names: c.6236A>G, p.Asp2079Gly (NM_001127510.3, NM_001354895.2, NM_001407450.1); c.6182A>G, p.Asp2061Gly (NM_001127511.3); c.6290A>G, p.Asp2097Gly (NM_001354896.2, NM_001407447.1, NM_001407448.1 and 1 more transcripts); c.6266A>G, p.Asp2089Gly (NM_001354897.2); c.6161A>G, p.Asp2054Gly (NM_001354898.2); c.6152A>G, p.Asp2051Gly (NM_001354899.2); c.6113A>G, p.Asp2038Gly (NM_001354900.2); c.6059A>G, p.Asp2020Gly (NM_001354901.2, NM_001407453.1); and 12 more; short protein forms D1978G, D2020G, D2038G, D2051G, D2054G, D2061G, D2069G, D1950G.
Identifiers: ClinVar variation 2014449 (VCV002014449.5), dbSNP rs779413228, ClinGen allele CA16034987.